The following is an entry in ClinVar:

ClinVar aggregate classification (germline): Likely benign (1 of 4 stars; one submission).

Conditions:
PCNT-related disorder. Also called: PCNT-related condition.

gnomAD v4.1: 10 of 1,612,874 alleles (0.00062%); highest among the groups gnomAD compares: African/African-American, 0.004%; no homozygotes.

Submission:

PreventionGenetics, part of Exact Sciences
Classification: Likely benign for PCNT-related condition. Last evaluated: 2026-06-29. Review status: criteria provided, single submitter. Criteria: ACMG Guidelines, 2015. Collection method: clinical testing. Allele origin: germline.
Comment: This variant is classified as likely benign based on ACMG/AMP sequence variant interpretation guidelines (Richards et al. 2015 PMID: 25741868, with internal and published modifications).

NM_006031.6(PCNT):c.5604G>A (p.Ala1868=)

Gene: PCNT (pericentrin; plus strand). Cytogenetic location: 21q22.3.
Variant type: single nucleotide variant.
Coding change: c.5604G>A on transcript NM_006031.6 (MANE Select); coding-DNA position 5604, G replaced by A.
Protein change: p.Ala1868=; no amino-acid change (alanine 1868 retained).
Molecular consequence: synonymous variant.
Genome position (GRCh38, 1-based): chr21:46,411,677, G>A. VCF-style: chr21-46411677-G-A. GRCh37 (hg19) VCF-style: chr21-47831591-G-A.
Other names: c.5250G>A, p.Ala1750= (NM_001315529.2).
Identifiers: ClinVar variation 4980615 (VCV004980615.1).